The following is an entry in ClinVar:

NM_020207.7(ERCC6L2):c.523A>G (p.Ile175Val)

Gene: ERCC6L2 (ERCC excision repair 6 like 2; plus strand). Cytogenetic location: 9q22.32.
Variant type: single nucleotide variant.
Coding change: c.523A>G on transcript NM_020207.7 (MANE Select); coding-DNA position 523, A replaced by G.
Protein change: p.Ile175Val; replaces isoleucine 175 with valine.
Molecular consequence: missense variant. On other transcripts: non-coding transcript variant (1).
Genome position (GRCh38, 1-based): chr9:95,897,900, A>G. VCF-style: chr9-95897900-A-G. GRCh37 (hg19) VCF-style: chr9-98660182-A-G.
Other names: c.523A>G, p.Ile175Val (NM_001010895.4, NM_001375291.1, NM_001375292.1 and 2 more transcripts); short protein forms I175V.
Identifiers: ClinVar variation 1501297 (VCV001501297.9), dbSNP rs2132607207, ClinGen allele CA374119948.

ClinVar aggregate classification (germline): Uncertain significance. Review status: criteria provided, multiple submitters, no conflicts (2 of 4 stars). 2 submissions from 2 submitters: Uncertain significance (2). Last evaluated 2025-05-19.

Conditions:
Inborn genetic diseases. Identifiers: MedGen C0950123, MeSH D030342.

gnomAD v4.1: 1 of 1,612,442 alleles (0.000062%); no homozygotes.

Submissions (2):

Ambry Genetics
Classification: Uncertain significance for Inborn genetic diseases. Last evaluated: 2025-05-19. Review status: criteria provided, single submitter. Criteria: Ambry Variant Classification Scheme 2023. Collection method: clinical testing. Allele origin: germline.

Labcorp Genetics (formerly Invitae), Labcorp
Classification: Uncertain significance. Last evaluated: 2022-08-23. Review status: criteria provided, single submitter. Criteria: Invitae Variant Classification Sherloc (09022015). Collection method: clinical testing. Allele origin: germline.
Comment: This variant is not present in population databases (gnomAD no frequency). In summary, the available evidence is currently insufficient to determine the role of this variant in disease. Therefore, it has been classified as a Variant of Uncertain Significance. Algorithms developed to predict the effect of missense changes on protein structure and function are either unavailable or do not agree on the potential impact of this missense change (SIFT: "Tolerated"; PolyPhen-2: "Not Available"; Align-GVGD: "Class C0"). ClinVar contains an entry for this variant (Variation ID: 1501297). This variant has not been reported in the literature in individuals affected with ERCC6L2-related conditions. This sequence change replaces isoleucine, which is neutral and non-polar, with valine, which is neutral and non-polar, at codon 186 of the ERCC6L2 protein (p.Ile186Val).